The following is an entry in ClinVar:

ClinVar aggregate classification (germline): Uncertain significance. Review status: criteria provided, multiple submitters, no conflicts (2 of 4 stars). 3 submissions from 3 submitters: Uncertain significance (3). Last evaluated 2026-08-05.

Conditions:
Menke-Hennekam syndrome 1 (MKHK1). Identifiers: MedGen C5193034, MONDO:0020763, OMIM 618332.
Rubinstein-Taybi syndrome due to CREBBP mutations (RSTS1). Also called: Rubinstein-Taybi syndrome 1; BROAD THUMBS AND GREAT TOES, CHARACTERISTIC FACIES, AND IMPAIRED INTELLECTUAL DEVELOPMENT; CREBBP-Related Rubinstein-Taybi Syndrome; RUBINSTEIN-TAYBI SYNDROME 1, INCOMPLETE; RUBINSTEIN SYNDROME; BROAD THUMB-HALLUX SYNDROME. Identifiers: Orphanet 353277, Orphanet 783, MedGen C4551859, MONDO:0008393, OMIM 180849.
CREBBP-related disorder. Also called: CREBBP-related condition; CREBBP-related disorders.
Rubinstein-Taybi syndrome (RSTS). Identifiers: Orphanet 783, MedGen C0035934, MONDO:0019188.

Allele frequency attached by ClinVar (database versions not stated): gnomAD exomes 0.00001; TOPMed 0.00002; ESP Exome Variant Server 0.00008.
gnomAD v4.1: 13 of 1,614,206 alleles (0.00081%); highest among the groups gnomAD compares: Non-Finnish European, 0.0011%; no homozygotes.

Submissions (3):

PreventionGenetics, part of Exact Sciences
Classification: Uncertain significance for CREBBP-related condition. Last evaluated: 2026-08-05. Review status: criteria provided, single submitter. Criteria: ACMG Guidelines, 2015. Collection method: clinical testing. Allele origin: germline.
Comment: The CREBBP c.3161A>G variant is predicted to result in the amino acid substitution p.Glu1054Gly. To our knowledge, this variant has not been reported in the literature or in a large population database (gnomAD), indicating this variant is rare. At this time, the clinical significance of this variant is uncertain due to the absence of conclusive functional and genetic evidence.

Fulgent Genetics
Classification: Uncertain significance for Rubinstein-Taybi syndrome due to CREBBP mutations; Menke-Hennekam syndrome 1. Last evaluated: 2024-04-10. Review status: criteria provided, single submitter. Criteria: ACMG Guidelines, 2015. Collection method: clinical testing. Allele origin: germline.

Labcorp Genetics (formerly Invitae), Labcorp
Classification: Uncertain significance for Rubinstein-Taybi syndrome. Last evaluated: 2023-12-25. Review status: criteria provided, single submitter. Criteria: Invitae Variant Classification Sherloc (09022015). Collection method: clinical testing. Allele origin: germline.
Comment: This sequence change replaces glutamic acid, which is acidic and polar, with glycine, which is neutral and non-polar, at codon 1054 of the CREBBP protein (p.Glu1054Gly). This variant is not present in population databases (gnomAD no frequency). This variant has not been reported in the literature in individuals affected with CREBBP-related conditions. Advanced modeling of protein sequence and biophysical properties (such as structural, functional, and spatial information, amino acid conservation, physicochemical variation, residue mobility, and thermodynamic stability) performed at Invitae indicates that this missense variant is not expected to disrupt CREBBP protein function with a negative predictive value of 95%. In summary, the available evidence is currently insufficient to determine the role of this variant in disease. Therefore, it has been classified as a Variant of Uncertain Significance.

NM_004380.3(CREBBP):c.3161A>G (p.Glu1054Gly)

Gene: CREBBP (CREB binding lysine acetyltransferase; minus strand). Cytogenetic location: 16p13.3.
Variant type: single nucleotide variant.
Coding change: c.3161A>G on transcript NM_004380.3 (MANE Select); coding-DNA position 3161, A replaced by G.
Protein change: p.Glu1054Gly; replaces glutamic acid 1054 with glycine.
Molecular consequence: missense variant.
Genome position (GRCh38, 1-based): chr16:3,767,809, T>C on the plus strand (A>G on the coding strand, the complement: CREBBP is on the minus strand). VCF-style: chr16-3767809-T-C. GRCh37 (hg19) VCF-style: chr16-3817810-T-C.
Other names: c.3047A>G, p.Glu1016Gly (NM_001079846.1); c.3161A>G (NM_004380.2); short protein forms E1054G, E1016G.
Identifiers: ClinVar variation 2999695 (VCV002999695.5), dbSNP rs138823476, ClinGen allele CA277006868.